The following is an entry in ClinVar:

ClinVar aggregate classification (germline): Pathogenic (1 of 4 stars; one submission).

Conditions:
Hyperphosphatasia with impaired intellectual development syndrome 2. Also called: Hyperphosphatasia with intellectual disability syndrome 2; GLYCOSYLPHOSPHATIDYLINOSITOL BIOSYNTHESIS DEFECT 6. Identifiers: Orphanet 247262, MedGen C3553637, MONDO:0013882, OMIM 614749.

Submission:

Labcorp Genetics (formerly Invitae), Labcorp
Classification: Pathogenic for Hyperphosphatasia with impaired intellectual development syndrome 2. Last evaluated: 2017-09-20. Review status: criteria provided, single submitter. Criteria: Invitae Variant Classification Sherloc (09022015). Collection method: clinical testing. Allele origin: germline.
Comment: For these reasons, this variant has been classified as Pathogenic. Loss-of-function variants in PIGO are known to be pathogenic (PMID: 22683086, 24417746). This variant has not been reported in the literature in individuals with PIGO-related disease. This variant is not present in population databases (ExAC no frequency). This sequence change creates a premature translational stop signal (p.Trp669*) in the PIGO gene. It is expected to result in an absent or disrupted protein product.

Literature cited by the submitters: PubMed 22683086; PubMed 24417746.

NM_032634.4(PIGO):c.2007G>A (p.Trp669Ter)

Gene: PIGO (phosphatidylinositol glycan anchor biosynthesis class O; minus strand). Cytogenetic location: 9p13.3.
Variant type: single nucleotide variant.
Coding change: c.2007G>A on transcript NM_032634.4 (MANE Select); coding-DNA position 2007, G replaced by A.
Protein change: p.Trp669Ter; replaces tryptophan 669 with a stop codon.
Molecular consequence: nonsense. On other transcripts: intron variant (2).
Genome position (GRCh38, 1-based): chr9:35,091,880, C>T on the plus strand (G>A on the coding strand, the complement: PIGO is on the minus strand). VCF-style: chr9-35091880-C-T. GRCh37 (hg19) VCF-style: chr9-35091877-C-T.
Other names: c.1345-589G>A (NM_152850.4, NM_001201484.2); short protein forms W669*.
Identifiers: ClinVar variation 581964 (VCV000581964.6), dbSNP rs1563996824, ClinGen allele CA373320971.